The following is an entry in ClinVar:

NM_004608.4(TBX6):c.64C>T (p.Pro22Ser)

Gene: TBX6 (T-box transcription factor 6; minus strand). Cytogenetic location: 16p11.2.
Variant type: single nucleotide variant.
Coding change: c.64C>T on transcript NM_004608.4 (MANE Select); coding-DNA position 64, C replaced by T.
Protein change: p.Pro22Ser; replaces proline 22 with serine.
Molecular consequence: missense variant.
Genome position (GRCh38, 1-based): chr16:30,091,130, G>A on the plus strand (C>T on the coding strand, the complement: TBX6 is on the minus strand). VCF-style: chr16-30091130-G-A. GRCh37 (hg19) VCF-style: chr16-30102451-G-A.
Other names: short protein forms P22S.
Identifiers: ClinVar variation 2001250 (VCV002001250.4), dbSNP rs376217389, ClinGen allele CA280434913.

ClinVar aggregate classification (germline): Uncertain significance (1 of 4 stars; one submission).

Submission:

Labcorp Genetics (formerly Invitae), Labcorp
Classification: Uncertain significance. Last evaluated: 2024-11-04. Review status: criteria provided, single submitter. Criteria: Invitae Variant Classification Sherloc (09022015). Collection method: clinical testing. Allele origin: germline.
Comment: This sequence change replaces proline, which is neutral and non-polar, with serine, which is neutral and polar, at codon 22 of the TBX6 protein (p.Pro22Ser). This variant is not present in population databases (gnomAD no frequency). This variant has not been reported in the literature in individuals affected with TBX6-related conditions. ClinVar contains an entry for this variant (Variation ID: 2001250). An algorithm developed to predict the effect of missense changes on protein structure and function outputs the following: PolyPhen-2: "Benign". The serine amino acid residue is found in multiple mammalian species, which suggests that this missense change does not adversely affect protein function. In summary, the available evidence is currently insufficient to determine the role of this variant in disease. Therefore, it has been classified as a Variant of Uncertain Significance.